The following is an entry in ClinVar:

ClinVar aggregate classification (germline): Benign. Review status: criteria provided, multiple submitters, no conflicts (2 of 4 stars). 12 submissions from 11 submitters: Benign (9). 3 of the submissions do not count toward it. Last evaluated 2026-02-04.

Conditions:
Generalized epilepsy with febrile seizures plus, type 1 (GEFSP1). Also called: GEFS+, TYPE 1. Identifiers: Orphanet 36387, MedGen C1858672, MONDO:0011416, OMIM 604233.
Brugada syndrome 5 (BRGDA5). Identifiers: Orphanet 130, Orphanet 871, MedGen C2748541, MONDO:0013015, OMIM 612838.

Allele frequency attached by ClinVar (database versions not stated): 1000 Genomes Project 0.14816; 1000 Genomes Project 30x 0.14928; TOPMed 0.19501; gnomAD 0.19938; gnomAD exomes 0.31034; ExAC 0.50000.
gnomAD v4.1: 134,516 of 659,806 alleles (20%); highest among the groups gnomAD compares: Middle Eastern, 28%; 14,317 homozygotes.

Submissions (14):

Labcorp Genetics (formerly Invitae), Labcorp
Classification: Benign for Brugada syndrome 5. Last evaluated: 2026-02-04. Review status: criteria provided, single submitter. Criteria: Invitae Variant Classification Sherloc (09022015). Collection method: clinical testing. Allele origin: germline.

Blueprint Genetics
Classification: Benign. Last evaluated: 2024-11-28. Review status: criteria provided, single submitter. Criteria: ACMG Guidelines, 2015. Collection method: clinical testing. Allele origin: germline.

Unidad de Genómica Garrahan, Hospital de Pediatría Garrahan
Classification: Benign. Last evaluated: 2024-07-15. Review status: criteria provided, single submitter. Criteria: ACMG Guidelines, 2015. Collection method: clinical testing. Allele origin: germline. Affected: no. Observed: 36 variant alleles.
Comment: This variant is classified as Benign based on local population frequency. This variant was detected in 39% of patients studied in a panel designed for Epileptic and Developmental Encephalopathy and Progressive Myoclonus Epilepsy. Number of patients: 36. Only high quality variants are reported.

Eurofins Ntd Llc (ga)
Classification: Benign. Last evaluated: 2018-03-22. Review status: criteria provided, single submitter. Criteria: EGL ClinVar v180209 classification definitions. Collection method: clinical testing. Allele origin: germline. Observed: 89 variant alleles, 83 heterozygotes, 6 homozygotes.

Illumina Laboratory Services, Illumina
Classification: Benign for Generalized epilepsy with febrile seizures plus, type 1. Last evaluated: 2018-01-12. Review status: criteria provided, single submitter. Criteria: ICSL Variant Classification Criteria 13 December 2019. Collection method: clinical testing. Allele origin: germline.
Comment: This variant was observed in the ICSL laboratory as part of a predisposition screen in an ostensibly healthy population. It had not been previously curated by ICSL or reported in the Human Gene Mutation Database (HGMD: prior to June 1st, 2018), and was therefore a candidate for classification through an automated scoring system. Utilizing variant allele frequency, disease prevalence and penetrance estimates, and inheritance mode, an automated score was calculated to assess if this variant is too frequent to cause the disease. Based on the score and internal cut-off values, a variant classified as benign is not then subjected to further curation. The score for this variant resulted in a classification of benign for this disease.

Illumina Laboratory Services, Illumina
Classification: Benign for Brugada syndrome 5. Last evaluated: 2018-01-12. Review status: criteria provided, single submitter. Criteria: ICSL Variant Classification Criteria 13 December 2019. Collection method: clinical testing. Allele origin: germline.
Comment: the same text as in the submission from Illumina Laboratory Services, Illumina above.

GeneDx
Classification: Benign. Last evaluated: 2015-03-12. Review status: criteria provided, single submitter. Criteria: GeneDx Variant Classification (06012015). Collection method: clinical testing. Allele origin: germline. Affected: yes.
Comment: This variant is considered likely benign or benign based on one or more of the following criteria: it is a conservative change, it occurs at a poorly conserved position in the protein, it is predicted to be benign by multiple in silico algorithms, and/or has population frequency not consistent with disease.

Breakthrough Genomics
Classification: Benign. Review status: criteria provided, single submitter. Criteria: ACMG Guidelines, 2015. Collection method: not provided. Allele origin: germline. Inheritance: Autosomal recessive inheritance. Affected: yes.

PreventionGenetics, part of Exact Sciences
Classification: Benign. Review status: criteria provided, single submitter. Criteria: ACMG Guidelines, 2015. Collection method: clinical testing. Allele origin: germline.

Clinical Genetics, Academic Medical Center
Classification: Benign. Review status: no assertion criteria provided. Collection method: clinical testing. Allele origin: germline. Affected: yes. Study: VKGL Data-share Consensus. Not counted in ClinVar's aggregate classification.

Dr. Peter K. Rogan Lab, Western University
No classification provided (evidence only). Condition: Sarcoma. Review status: no classification provided. Collection method: in vitro. Allele origin: not applicable. Functional consequence: retained intron. Not counted in ClinVar's aggregate classification.

Dr. Peter K. Rogan Lab, Western University
No classification provided (evidence only). Condition: Malignant tumor of esophagus. Review status: no classification provided. Collection method: in vitro. Allele origin: not applicable. Functional consequence: retained intron. Not counted in ClinVar's aggregate classification.

Genome Diagnostics Laboratory, University Medical Center Utrecht
Classification: Benign. Review status: no assertion criteria provided. Collection method: clinical testing. Allele origin: germline. Affected: yes. Study: VKGL Data-share Consensus. Not counted in ClinVar's aggregate classification.

Joint Genome Diagnostic Labs from Nijmegen and Maastricht, Radboudumc and MUMC+
Classification: Benign. Review status: no assertion criteria provided. Collection method: clinical testing. Allele origin: germline. Affected: yes. Study: VKGL Data-share Consensus. Not counted in ClinVar's aggregate classification.

NM_001037.5(SCN1B):c.40+15G>T

Gene: SCN1B (sodium voltage-gated channel beta subunit 1; plus strand). Cytogenetic location: 19q13.11.
Variant type: single nucleotide variant.
Coding change: c.40+15G>T on transcript NM_001037.5 (MANE Select); 15 bases into the intron after coding-DNA position 40, G replaced by T.
Molecular consequence: intron variant.
Genome position (GRCh38, 1-based): chr19:35,030,875, G>T. VCF-style: chr19-35030875-G-T. GRCh37 (hg19) VCF-style: chr19-35521779-G-T.
Other names: c.40+15G>T (NM_199037.5).
Identifiers: ClinVar variation 93481 (VCV000093481.25), dbSNP rs72556351, ClinGen allele CA285413.